The following is an entry in ClinVar:

ClinVar aggregate classification (germline): Pathogenic/Likely pathogenic. Review status: criteria provided, multiple submitters, no conflicts (2 of 4 stars). 5 submissions from 5 submitters: Pathogenic (2); Likely pathogenic (3). Last evaluated 2025-05-28.

Conditions:
Retinitis pigmentosa 39 (RP39). Identifiers: Orphanet 791, MedGen C3151138, MONDO:0013436, OMIM 613809.
USH2A-related disorder. Also called: USH2A-related disorders; USH2A-related condition. Identifiers: MedGen CN239332.

Submissions (5):

Myriad Genetics, Inc.
Classification: Likely pathogenic for USH2A-related disorder. Last evaluated: 2025-05-28. Review status: criteria provided, single submitter. Criteria: Myriad Autosomal Dominant, Autosomal Recessive and X-Linked Classification Criteria (2023). Collection method: clinical testing. Allele origin: unknown.
Comment: NM_206933.2(USH2A):c.4251+1G>T is a variant in a canonical splice site classified as likely pathogenic in the context of USH2A-related disorders. c.4251+1G>T has not been observed in cases with relevant disease. Relevant functional assessments of this variant are not available in the literature. c.4251+1G>T has not been observed in referenced population frequency databases. In summary, NM_206933.2(USH2A):c.4251+1G>T is a variant in a canonical splice site in a gene where loss of function is a known mechanism of disease and is predicted to disrupt protein function. Please note: this variant was assessed in the context of healthy population screening.

Labcorp Genetics (formerly Invitae), Labcorp
Classification: Pathogenic. Last evaluated: 2024-01-19. Review status: criteria provided, single submitter. Criteria: Invitae Variant Classification Sherloc (09022015). Collection method: clinical testing. Allele origin: germline.
Comment: This sequence change affects a donor splice site in intron 19 of the USH2A gene. It is expected to disrupt RNA splicing. Variants that disrupt the donor or acceptor splice site typically lead to a loss of protein function (PMID: 16199547), and loss-of-function variants in USH2A are known to be pathogenic (PMID: 10729113, 10909849, 20507924, 25649381). This variant is not present in population databases (gnomAD no frequency). Disruption of this splice site has been observed in individuals with USH2A-related conditions (PMID: 27208204; Invitae). ClinVar contains an entry for this variant (Variation ID: 1065706). Algorithms developed to predict the effect of sequence changes on RNA splicing suggest that this variant may disrupt the consensus splice site. For these reasons, this variant has been classified as Pathogenic.

Genome-Nilou Lab
Classification: Likely pathogenic for Retinitis pigmentosa 39. Last evaluated: 2023-04-11. Review status: criteria provided, single submitter. Criteria: ACMG Guidelines, 2015. Collection method: clinical testing. Allele origin: germline. Affected: no.

Baylor Genetics
Classification: Pathogenic for Retinitis pigmentosa 39. Last evaluated: 2022-04-29. Review status: criteria provided, single submitter. Criteria: ACMG Guidelines, 2015. Collection method: clinical testing. Allele origin: unknown.

Ocular Genomics Institute, Massachusetts Eye and Ear
Classification: Likely pathogenic for Retinitis pigmentosa 39. Last evaluated: 2021-04-08. Review status: criteria provided, single submitter. Criteria: ACMG Guidelines, 2015. Collection method: research. Allele origin: germline. Affected: yes.
Comment: Through a review of available evidence we were able to apply the following criteria: PVS1, PM2. Based on this evidence we have classified this variant as Likely Pathogenic.

Literature cited by the submitters: PubMed 16199547 (cited by Labcorp Genetics (formerly Invitae), Labcorp); PubMed 10729113 (cited by Labcorp Genetics (formerly Invitae), Labcorp); PubMed 10909849 (cited by Labcorp Genetics (formerly Invitae), Labcorp); PubMed 20507924 (cited by Labcorp Genetics (formerly Invitae), Labcorp); PubMed 25649381 (cited by Labcorp Genetics (formerly Invitae), Labcorp); PubMed 27208204 (cited by Labcorp Genetics (formerly Invitae), Labcorp).

NM_206933.4(USH2A):c.4251+1G>T

Genes: USH2A (usherin; minus strand), USH2A-AS1 (USH2A antisense RNA 1; plus strand). Cytogenetic location: 1q41.
Variant type: single nucleotide variant.
Coding change: c.4251+1G>T on transcript NM_206933.4 (MANE Select); the canonical splice donor site of the intron after coding-DNA position 4251, G replaced by T.
Molecular consequence: splice donor variant.
Genome position (GRCh38, 1-based): chr1:216,196,552, C>A on the plus strand (G>T on the coding strand, the complement: USH2A is on the minus strand). VCF-style: chr1-216196552-C-A. GRCh37 (hg19) VCF-style: chr1-216369894-C-A.
Other names: c.4251+1G>T (NM_007123.6).
Identifiers: ClinVar variation 1065706 (VCV001065706.12), dbSNP rs878853405, ClinGen allele CA344866056.